The following is an entry in ClinVar:

NM_133379.5(TTN):c.13660dup (p.Ile4554fs)

Gene: TTN (titin; minus strand). Cytogenetic location: 2q31.2.
Variant type: Duplication.
Coding change: c.13660dup on transcript NM_133379.5; coding-DNA position 13660, one base duplicated (A; older notation c.13660dupA).
Protein change: p.Ile4554fs; shifts the reading frame from isoleucine 4554.
Molecular consequence: frameshift variant. On other transcripts: intron variant (6).
Genome position (GRCh38, 1-based): chr2:178,748,740, T duplicated on the plus strand (A on the coding strand, the reverse complement: TTN is on the minus strand); the first of 6 consecutive T bases (chr2:178,748,740-178,748,745); duplicating any one gives the same sequence. VCF-style (leftmost placement, unchanged base first): chr2-178748739-A-AT. GRCh37 (hg19) VCF-style: chr2-179613466-A-AT.
Other names: c.13660dup (LRG_391t2); c.10222+4379dup (NM_003319.4); c.10798+4379dup (NM_133437.4); c.10597+4379dup (NM_133432.3); c.10360+4379dup (NM_133378.4, NM_001256850.1); c.11311+4379dup (NM_001267550.2); short protein forms I4554fs.
Identifiers: ClinVar variation 223263 (VCV000223263.1), dbSNP rs771985828, ClinGen allele CA352448.

ClinVar aggregate classification (germline): Uncertain significance (1 of 4 stars; one submission).

Conditions:
Primary dilated cardiomyopathy (DCM). Also called: Dilated Cardiomyopathy. Identifiers: Orphanet 217604, MedGen C0007193, MeSH D002311, MONDO:0005021, HP:0001644. Inheritance: Various modes of inheritance.

Submission:

Cardiovascular Biomedical Research Unit, Royal Brompton & Harefield NHS Foundation Trust
Classification: Uncertain significance for Primary dilated cardiomyopathy. Last evaluated: 2014-10-08. Review status: criteria provided, single submitter. Criteria: Roberts et al. 2015. Collection method: research. Allele origin: germline. Inheritance: Autosomal dominant inheritance. Affected: no. Observed: 1 variant allele. Study: FHS cohort.
Comment: It affects only the Novex-3 isoform, which does not span the sarcomere and has not been implicated in DCM. In the seven cohorts assessed, TTNtv were found in 14% of ambulant DCM, 22% end-stage or familial DCM, and 2% controls. Heterozygous nonsense, frameshift and canonical splice-disrupting variants found in constitutive and other highly utilised exons are highly likely to be pathogenic when identified in individuals with phenotypically confirmed DCM. TTNtv found incidentally in healthy individuals (excluding familial assessment of DCM relatives) are thought to have low penetrance, particularly when identified in exons that are not constitutively expressed in the heart.